The following is an entry in ClinVar:

ClinVar aggregate classification (germline): Uncertain significance (1 of 4 stars; one submission).

Conditions:
Ataxia-telangiectasia syndrome (AT). Also called: Ataxia-telangiectasia, complementation group D; AT, COMPLEMENTATION GROUP C; ATAXIA-TELANGIECTASIA, COMPLEMENTATION GROUP A; ATAXIA-TELANGIECTASIA, FRESNO VARIANT; Ataxia-telangiectasia; Ataxia-telangiectasia, complementation group E. Identifiers: Orphanet 100, MedGen C0004135, MONDO:0008840, OMIM 208900.

Submission:

Labcorp Genetics (formerly Invitae), Labcorp
Classification: Uncertain significance for Ataxia-telangiectasia syndrome. Last evaluated: 2024-09-06. Review status: criteria provided, single submitter. Criteria: Invitae Variant Classification Sherloc (09022015). Collection method: clinical testing. Allele origin: germline.
Comment: This sequence change replaces aspartic acid, which is acidic and polar, with glutamic acid, which is acidic and polar, at codon 2661 of the ATM protein (p.Asp2661Glu). This variant is not present in population databases (gnomAD no frequency). This variant has not been reported in the literature in individuals affected with ATM-related conditions. An algorithm developed to predict the effect of missense changes on protein structure and function (PolyPhen-2) suggests that this variant is likely to be tolerated. In summary, the available evidence is currently insufficient to determine the role of this variant in disease. Therefore, it has been classified as a Variant of Uncertain Significance.

NM_000051.4(ATM):c.7983T>G (p.Asp2661Glu)

Genes: ATM (ATM serine/threonine kinase; plus strand), C11orf65 (chromosome 11 open reading frame 65; minus strand). Cytogenetic location: 11q22.3.
Variant type: single nucleotide variant.
Coding change: c.7983T>G on transcript NM_000051.4 (MANE Select); coding-DNA position 7983, T replaced by G.
Protein change: p.Asp2661Glu; replaces aspartic acid 2661 with glutamic acid.
Molecular consequence: missense variant. On other transcripts: intron variant (2).
Genome position (GRCh38, 1-based): chr11:108,333,941, T>G. VCF-style: chr11-108333941-T-G. GRCh37 (hg19) VCF-style: chr11-108204668-T-G.
Other names: c.*38+1279A>C (NM_001351110.2); c.7983T>G, p.Asp2661Glu (NM_001351834.2); c.641-24870A>C (NM_001330368.2); short protein forms D2661E.
Identifiers: ClinVar variation 3664815 (VCV003664815.2).
Genomic context (GRCh38, chr11:108,333,941, plus strand): 5'-TACAGAAGGCATAAATATTCCAGCAGACCAGCCAATTACTAAACTTAAGAATTTAGAAGA[T>G]GTTGTTGTCCCTACTATGGAAATTAAGGTAATTTGCAATTAACTCTTGATTTTTTTTAAA-3'
Protein context (NP_000042.3, residues 2651-2671): QPITKLKNLE[Asp2661Glu]VVVPTMEIKV